The following is an entry in ClinVar:

NM_000548.5(TSC2):c.712C>G (p.Leu238Val)

Gene: TSC2 (TSC complex subunit 2; plus strand). Cytogenetic location: 16p13.3.
Variant type: single nucleotide variant.
Coding change: c.712C>G on transcript NM_000548.5 (MANE Select); coding-DNA position 712, C replaced by G.
Protein change: p.Leu238Val; replaces leucine 238 with valine.
Molecular consequence: missense variant. On other transcripts: 5 prime UTR variant (10), non-coding transcript variant (5).
Genome position (GRCh38, 1-based): chr16:2,056,707, C>G. VCF-style: chr16-2056707-C-G. GRCh37 (hg19) VCF-style: chr16-2106708-C-G.
Other names: c.712C>G, p.Leu238Val (NM_001077183.3, NM_001114382.3, NM_001363528.2 and 6 more transcripts); c.601C>G, p.Leu201Val (NM_001318827.2, NM_001406670.1, NM_001406678.1); c.565C>G, p.Leu189Val (NM_001318829.2, NM_001406675.1, NM_001406676.1 and 1 more transcripts); c.112C>G, p.Leu38Val (NM_001318831.2, NM_001406680.1, NM_001406682.1 and 6 more transcripts); c.745C>G, p.Leu249Val (NM_001318832.2); c.802C>G, p.Leu268Val (NM_001406667.1, NM_001406668.1); c.700C>G, p.Leu234Val (NM_001406671.1, NM_001406673.1); c.655C>G, p.Leu219Val (NM_001406677.1); and 4 more; short protein forms L201V, L249V, L268V, L84V, L189V, L219V, L234V, L238V.
Identifiers: ClinVar variation 2497450 (VCV002497450.6), dbSNP rs1287428578, ClinGen allele CA394312713.

ClinVar aggregate classification (germline): Uncertain significance. Review status: criteria provided, multiple submitters, no conflicts (2 of 4 stars). 3 submissions from 3 submitters: Uncertain significance (3). Last evaluated 2024-05-13.

Conditions:
Tuberous sclerosis 2 (TSC2). Identifiers: Orphanet 805, MedGen C1860707, MONDO:0013199, OMIM 613254.
Lymphangiomyomatosis (LAM). Also called: Lymphangioleiomyomatosis; Lymphangioleiomyomatosis, somatic. Identifiers: Orphanet 538, MedGen C0751674, MONDO:0011705, OMIM 606690.
Isolated focal cortical dysplasia type II (FCORD2). Also called: Focal cortical dysplasia type II; CORTICAL DYSPLASIA OF TAYLOR. Identifiers: Orphanet 268994, MedGen C1846385, MONDO:0011818, OMIM 607341, HP:0032051.
Hereditary cancer-predisposing syndrome. Also called: Tumor predisposition; Hereditary neoplastic syndrome; Neoplastic Syndromes, Hereditary; Hereditary Cancer Syndrome. Identifiers: Orphanet 140162, MedGen C0027672, MeSH D009386, MONDO:0015356.

Submissions (3):

Fulgent Genetics
Classification: Uncertain significance for Lymphangiomyomatosis; Isolated focal cortical dysplasia type II; Tuberous sclerosis 2. Last evaluated: 2024-05-13. Review status: criteria provided, single submitter. Criteria: ACMG Guidelines, 2015. Collection method: clinical testing. Allele origin: germline.

Labcorp Genetics (formerly Invitae), Labcorp
Classification: Uncertain significance for Tuberous sclerosis 2. Last evaluated: 2023-12-19. Review status: criteria provided, single submitter. Criteria: Invitae Variant Classification Sherloc (09022015). Collection method: clinical testing. Allele origin: germline.
Comment: This sequence change replaces leucine, which is neutral and non-polar, with valine, which is neutral and non-polar, at codon 238 of the TSC2 protein (p.Leu238Val). This variant is not present in population databases (gnomAD no frequency). This variant has not been reported in the literature in individuals affected with TSC2-related conditions. ClinVar contains an entry for this variant (Variation ID: 2497450). Advanced modeling of protein sequence and biophysical properties (such as structural, functional, and spatial information, amino acid conservation, physicochemical variation, residue mobility, and thermodynamic stability) performed at Invitae indicates that this missense variant is not expected to disrupt TSC2 protein function with a negative predictive value of 95%. In summary, the available evidence is currently insufficient to determine the role of this variant in disease. Therefore, it has been classified as a Variant of Uncertain Significance.

Ambry Genetics
Classification: Uncertain significance for Hereditary cancer-predisposing syndrome. Last evaluated: 2022-11-07. Review status: criteria provided, single submitter. Criteria: Ambry Variant Classification Scheme 2023. Collection method: clinical testing. Allele origin: germline.
Comment: The p.L238V variant (also known as c.712C>G), located in coding exon 7 of the TSC2 gene, results from a C to G substitution at nucleotide position 712. The leucine at codon 238 is replaced by valine, an amino acid with highly similar properties. This amino acid position is conserved. In addition, this alteration is predicted to be tolerated by in silico analysis. Since supporting evidence is limited at this time, the clinical significance of this alteration remains unclear.